The following is an entry in ClinVar:

ClinVar aggregate classification (germline): Uncertain significance. Review status: criteria provided, multiple submitters, no conflicts (2 of 4 stars). 2 submissions from 2 submitters: Uncertain significance (2). Last evaluated 2025-09-16.

Conditions:
Hereditary cancer-predisposing syndrome. Also called: Neoplastic Syndromes, Hereditary; Hereditary Cancer Syndrome; Tumor predisposition; Hereditary neoplastic syndrome. Identifiers: Orphanet 140162, MedGen C0027672, MeSH D009386, MONDO:0015356.
Familial adenomatous polyposis 1 (FAP1). Also called: FAMILIAL ADENOMATOUS POLYPOSIS 1, ATTENUATED; POLYPOSIS, ADENOMATOUS INTESTINAL. Identifiers: MedGen C2713442, MONDO:0021056, OMIM 175100. Disease mechanism: loss of function.

Submissions (2):

Labcorp Genetics (formerly Invitae), Labcorp
Classification: Uncertain significance for Familial adenomatous polyposis 1. Last evaluated: 2025-09-16. Review status: criteria provided, single submitter. Criteria: Invitae Variant Classification Sherloc (09022015). Collection method: clinical testing. Allele origin: germline.
Comment: This sequence change replaces glutamic acid, which is acidic and polar, with alanine, which is neutral and non-polar, at codon 2589 of the APC protein (p.Glu2589Ala). This variant is not present in population databases (gnomAD no frequency). This variant has not been reported in the literature in individuals affected with APC-related conditions. ClinVar contains an entry for this variant (Variation ID: 1376274). Invitae Evidence Modeling of protein sequence and biophysical properties (such as structural, functional, and spatial information, amino acid conservation, physicochemical variation, residue mobility, and thermodynamic stability) indicates that this missense variant is not expected to disrupt APC protein function with a negative predictive value of 95%. In summary, the available evidence is currently insufficient to determine the role of this variant in disease. Therefore, it has been classified as a Variant of Uncertain Significance.

Ambry Genetics
Classification: Uncertain significance for Hereditary cancer-predisposing syndrome. Last evaluated: 2022-01-08. Review status: criteria provided, single submitter. Criteria: Ambry Variant Classification Scheme 2023. Collection method: clinical testing. Allele origin: germline.
Comment: The p.E2589A variant (also known as c.7766A>C), located in coding exon 15 of the APC gene, results from an A to C substitution at nucleotide position 7766. The glutamic acid at codon 2589 is replaced by alanine, an amino acid with dissimilar properties. This amino acid position is conserved. In addition, in silico predictors for this gene do not accurately predict pathogenicity. Since supporting evidence is limited at this time, the clinical significance of this alteration remains unclear.

NM_000038.6(APC):c.7766A>C (p.Glu2589Ala)

Gene: APC (APC regulator of Wnt signaling pathway; plus strand). Cytogenetic location: 5q22.2.
Variant type: single nucleotide variant.
Coding change: c.7766A>C on transcript NM_000038.6 (MANE Select); coding-DNA position 7766, A replaced by C.
Protein change: p.Glu2589Ala; replaces glutamic acid 2589 with alanine.
Molecular consequence: missense variant.
Genome position (GRCh38, 1-based): chr5:112,843,360, A>C. VCF-style: chr5-112843360-A-C. GRCh37 (hg19) VCF-style: chr5-112179057-A-C.
Other names: c.7766A>C, p.Glu2589Ala (NM_001127510.3, NM_001354895.2); c.7712A>C, p.Glu2571Ala (NM_001127511.3); c.7820A>C, p.Glu2607Ala (NM_001354896.2); c.7796A>C, p.Glu2599Ala (NM_001354897.2); c.7691A>C, p.Glu2564Ala (NM_001354898.2); c.7682A>C, p.Glu2561Ala (NM_001354899.2); c.7643A>C, p.Glu2548Ala (NM_001354900.2); c.7589A>C, p.Glu2530Ala (NM_001354901.2); and 5 more; short protein forms E2429A, E2530A, E2561A, E2607A, E2463A, E2488A, E2548A, E2306A.
Identifiers: ClinVar variation 1376274 (VCV001376274.8), dbSNP rs200406572, ClinGen allele CA16038200.